The following is an entry in ClinVar:

NM_004311.4(ARL3):c.430A>T (p.Asn144Tyr)

Gene: ARL3 (ARF like GTPase 3; minus strand). Cytogenetic location: 10q24.32.
Variant type: single nucleotide variant.
Coding change: c.430A>T on transcript NM_004311.4 (MANE Select); coding-DNA position 430, A replaced by T.
Protein change: p.Asn144Tyr; replaces asparagine 144 with tyrosine.
Molecular consequence: missense variant.
Genome position (GRCh38, 1-based): chr10:102,685,887, T>A on the plus strand (A>T on the coding strand, the complement: ARL3 is on the minus strand). VCF-style: chr10-102685887-T-A. GRCh37 (hg19) VCF-style: chr10-104445644-T-A.
Other names: short protein forms N144Y.
Identifiers: ClinVar variation 1951200 (VCV001951200.5), dbSNP rs2492951119, ClinGen allele CA377920095.

ClinVar aggregate classification (germline): Uncertain significance (1 of 4 stars; one submission).

Submission:

Labcorp Genetics (formerly Invitae), Labcorp
Classification: Uncertain significance. Last evaluated: 2022-04-15. Review status: criteria provided, single submitter. Criteria: Invitae Variant Classification Sherloc (09022015). Collection method: clinical testing. Allele origin: germline.
Comment: This sequence change replaces asparagine, which is neutral and polar, with tyrosine, which is neutral and polar, at codon 144 of the ARL3 protein (p.Asn144Tyr). This variant is not present in population databases (gnomAD no frequency). This variant has not been reported in the literature in individuals affected with ARL3-related conditions. Algorithms developed to predict the effect of missense changes on protein structure and function are either unavailable or do not agree on the potential impact of this missense change (SIFT: "Deleterious"; PolyPhen-2: "Benign"; Align-GVGD: "Class C0"). In summary, the available evidence is currently insufficient to determine the role of this variant in disease. Therefore, it has been classified as a Variant of Uncertain Significance.